The following is an entry in ClinVar:

NM_213599.3(ANO5):c.1180+1G>C

Gene: ANO5 (anoctamin 5; plus strand). Cytogenetic location: 11p14.3.
Variant type: single nucleotide variant.
Coding change: c.1180+1G>C on transcript NM_213599.3 (MANE Select); the canonical splice donor site of the intron after coding-DNA position 1180, G replaced by C.
Molecular consequence: splice donor variant.
Genome position (GRCh38, 1-based): chr11:22,251,012, G>C. VCF-style: chr11-22251012-G-C. GRCh37 (hg19) VCF-style: chr11-22272558-G-C.
Other names: c.1138+1G>C (NM_001410963.1); c.1177+1G>C (NM_001142649.2); c.1135+1G>C (NM_001410964.1).
Identifiers: ClinVar variation 2017959 (VCV002017959.4), dbSNP rs2494261439, ClinGen allele CA379921335.

ClinVar aggregate classification (germline): Likely pathogenic (1 of 4 stars; one submission).

Conditions:
Gnathodiaphyseal dysplasia (GDD). Also called: GNATHODIAPHYSEAL SCLEROSIS; OSTEOGENESIS IMPERFECTA WITH UNUSUAL SKELETAL LESIONS. Identifiers: Orphanet 53697, MedGen C1833736, MONDO:0008151, OMIM 166260.
Autosomal recessive limb-girdle muscular dystrophy type 2L (LGMDR12). Also called: MUSCULAR DYSTROPHY, LIMB-GIRDLE, AUTOSOMAL RECESSIVE 12; Limb-girdle muscular dystrophy, type 2L; Limb-Girdle Muscular Dystrophy R12 Anoctamin-5-Related (LGMD-R12). Identifiers: Orphanet 206549, MedGen C1969785, MONDO:0012652, OMIM 611307.

Submission:

Labcorp Genetics (formerly Invitae), Labcorp
Classification: Likely pathogenic for Autosomal recessive limb-girdle muscular dystrophy type 2L; Gnathodiaphyseal dysplasia. Last evaluated: 2023-08-31. Review status: criteria provided, single submitter. Criteria: Invitae Variant Classification Sherloc (09022015). Collection method: clinical testing. Allele origin: germline.
Comment: In summary, the currently available evidence indicates that the variant is pathogenic, but additional data are needed to prove that conclusively. Therefore, this variant has been classified as Likely Pathogenic. Algorithms developed to predict the effect of sequence changes on RNA splicing suggest that this variant may disrupt the consensus splice site. ClinVar contains an entry for this variant (Variation ID: 2017959). This variant has not been reported in the literature in individuals affected with ANO5-related conditions. This variant is not present in population databases (gnomAD no frequency). This sequence change affects a donor splice site in intron 12 of the ANO5 gene. It is expected to disrupt RNA splicing. Variants that disrupt the donor or acceptor splice site typically lead to a loss of protein function (PMID: 16199547), and loss-of-function variants in ANO5 are known to be pathogenic (PMID: 21186264, 23606453, 25891276, 30919934).

Literature cited by the submitters: PubMed 16199547; PubMed 21186264; PubMed 23606453; PubMed 25891276; PubMed 30919934.